The following is an entry in ClinVar:

ClinVar aggregate classification (germline): Likely pathogenic (1 of 4 stars; one submission).

Conditions:
Hereditary spastic paraplegia 15 (SPG15). Also called: SPASTIC PARAPLEGIA 15, AUTOSOMAL RECESSIVE; KJELLIN SYNDROME; SPASTIC PARAPLEGIA AND RETINAL DEGENERATION. Identifiers: Orphanet 100996, MedGen C1849128, MONDO:0010044, OMIM 270700.

Submission:

Myriad Genetics, Inc.
Classification: Likely pathogenic for Hereditary spastic paraplegia 15. Last evaluated: 2022-04-04. Review status: criteria provided, single submitter. Criteria: Myriad Women's Health Autosomal Recessive and X-Linked Classification Criteria (2021). Collection method: clinical testing. Allele origin: unknown.
Comment: NM_015346.3(ZFYVE26):c.3408_3409delGA(N1137Pfs*36) is expected to be pathogenic in the context of spastic paraplegia type 15. This variant is predicted to lead to an abnormal or absent protein product due to the creation of a premature termination codon in ZFYVE26, a gene where loss-of-function variants are known to be pathogenic. Please note: this variant was assessed in the context of healthy population screening.

NM_015346.4(ZFYVE26):c.3408_3409del (p.Asn1137fs)

Gene: ZFYVE26 (zinc finger FYVE-type containing 26; minus strand). Cytogenetic location: 14q24.1.
Variant type: Deletion.
Coding change: c.3408_3409del on transcript NM_015346.4 (MANE Select); coding-DNA positions 3408 to 3409, 2 bases deleted (GA; older notation c.3408_3409delGA).
Protein change: p.Asn1137fs; shifts the reading frame from asparagine 1137.
Molecular consequence: frameshift variant.
Genome position (GRCh38, 1-based): chr14:67,785,173-67,785,174, TC deleted on the plus strand (GA on the coding strand, the reverse complement: ZFYVE26 is on the minus strand); deleting any 2 consecutive bases within chr14:67,785,173-67,785,175 gives the same sequence; the c. name uses the placement nearest the transcript's 3' end. VCF-style (leftmost placement, unchanged base first): chr14-67785172-TTC-T. GRCh37 (hg19) VCF-style: chr14-68251889-TTC-T.
Other names: short protein forms N1137fs.
Identifiers: ClinVar variation 1725881 (VCV001725881.2), dbSNP rs2502813923, ClinGen allele CA2580088605.